The following is an entry in ClinVar:

ClinVar aggregate classification (germline): Uncertain significance (1 of 4 stars; one submission).

Conditions:
Primary ciliary dyskinesia. Also called: Ciliary dyskinesia. Identifiers: Orphanet 244, MedGen C0008780, MONDO:0016575, HP:0012265.

gnomAD v4.1: 2 of 1,614,012 alleles (0.00012%); highest among the groups gnomAD compares: Admixed American, 0.0017%; no homozygotes.

Submission:

Ambry Genetics
Classification: Uncertain significance for Primary ciliary dyskinesia. Last evaluated: 2022-08-24. Review status: criteria provided, single submitter. Criteria: Ambry Variant Classification Scheme 2023. Collection method: clinical testing. Allele origin: germline.
Comment: The p.L3853I variant (also known as c.11557C>A), located in coding exon 67 of the DNAH5 gene, results from a C to A substitution at nucleotide position 11557. The leucine at codon 3853 is replaced by isoleucine, an amino acid with highly similar properties. This amino acid position is conserved. In addition, this alteration is predicted to be tolerated by in silico analysis. Since supporting evidence is limited at this time, the clinical significance of this alteration remains unclear.

NM_001369.3(DNAH5):c.11557C>A (p.Leu3853Ile)

Gene: DNAH5 (dynein axonemal heavy chain 5; minus strand). Cytogenetic location: 5p15.2.
Variant type: single nucleotide variant.
Coding change: c.11557C>A on transcript NM_001369.3 (MANE Select); coding-DNA position 11557, C replaced by A.
Protein change: p.Leu3853Ile; replaces leucine 3853 with isoleucine.
Molecular consequence: missense variant.
Genome position (GRCh38, 1-based): chr5:13,735,831, G>T on the plus strand (C>A on the coding strand, the complement: DNAH5 is on the minus strand). VCF-style: chr5-13735831-G-T. GRCh37 (hg19) VCF-style: chr5-13735940-G-T.
Other names: short protein forms L3853I.
Identifiers: ClinVar variation 1735045 (VCV001735045.2), dbSNP rs1222348393, ClinGen allele CA359224558.